The following is an entry in ClinVar:

ClinVar aggregate classification (germline): Uncertain significance. Review status: criteria provided, multiple submitters, no conflicts (2 of 4 stars). 2 submissions from 2 submitters: Uncertain significance (2). Last evaluated 2025-07-27.

Conditions:
Spondyloepiphyseal dysplasia with congenital joint dislocations (SEDCJD). Also called: Chondrodysplasia with Congenital Joint Dislocations, CHST3-Related. Identifiers: Orphanet 263463, MedGen C1837657, MONDO:0007738, OMIM 143095.
Inborn genetic diseases. Identifiers: MedGen C0950123, MeSH D030342.

gnomAD v4.1: 2 of 1,609,044 alleles (0.00012%); highest among the groups gnomAD compares: African/African-American, 0.0013%; no homozygotes.

Submissions (2):

Labcorp Genetics (formerly Invitae), Labcorp
Classification: Uncertain significance for Spondyloepiphyseal dysplasia with congenital joint dislocations. Last evaluated: 2025-07-27. Review status: criteria provided, single submitter. Criteria: Invitae Variant Classification Sherloc (09022015). Collection method: clinical testing. Allele origin: germline.
Comment: This sequence change replaces histidine, which is basic and polar, with tyrosine, which is neutral and polar, at codon 214 of the CHST3 protein (p.His214Tyr). This variant is not present in population databases (gnomAD no frequency). This variant has not been reported in the literature in individuals affected with CHST3-related conditions. Invitae Evidence Modeling of protein sequence and biophysical properties (such as structural, functional, and spatial information, amino acid conservation, physicochemical variation, residue mobility, and thermodynamic stability) has been performed for this missense variant. However, the output from this modeling did not meet the statistical confidence thresholds required to predict the impact of this variant on CHST3 protein function. In summary, the available evidence is currently insufficient to determine the role of this variant in disease. Therefore, it has been classified as a Variant of Uncertain Significance.

Ambry Genetics
Classification: Uncertain significance for Inborn genetic diseases. Last evaluated: 2025-04-03. Review status: criteria provided, single submitter. Criteria: Ambry Variant Classification Scheme 2023. Collection method: clinical testing. Allele origin: germline.

NM_004273.5(CHST3):c.640C>T (p.His214Tyr)

Gene: CHST3 (carbohydrate sulfotransferase 3; plus strand). Cytogenetic location: 10q22.1.
Variant type: single nucleotide variant.
Coding change: c.640C>T on transcript NM_004273.5 (MANE Select); coding-DNA position 640, C replaced by T.
Protein change: p.His214Tyr; replaces histidine 214 with tyrosine.
Molecular consequence: missense variant.
Genome position (GRCh38, 1-based): chr10:72,007,671, C>T. VCF-style: chr10-72007671-C-T. GRCh37 (hg19) VCF-style: chr10-73767429-C-T.
Other names: short protein forms H214Y.
Identifiers: ClinVar variation 4002763 (VCV004002763.2).